The following is an entry in ClinVar:

ClinVar aggregate classification (germline): Uncertain significance (1 of 4 stars; one submission).

Conditions:
Familial adenomatous polyposis 1 (FAP1). Also called: FAMILIAL ADENOMATOUS POLYPOSIS 1, ATTENUATED; POLYPOSIS, ADENOMATOUS INTESTINAL. Identifiers: MedGen C2713442, MONDO:0021056, OMIM 175100. Disease mechanism: loss of function.

Submission:

Labcorp Genetics (formerly Invitae), Labcorp
Classification: Uncertain significance for Familial adenomatous polyposis 1. Last evaluated: 2018-08-11. Review status: criteria provided, single submitter. Criteria: Invitae Variant Classification Sherloc (09022015). Collection method: clinical testing. Allele origin: germline.
Comment: This variant is not present in population databases (ExAC no frequency). This sequence change replaces aspartic acid with glutamic acid at codon 2663 of the APC protein (p.Asp2663Glu). The aspartic acid residue is highly conserved and there is a small physicochemical difference between aspartic acid and glutamic acid. This variant has not been reported in the literature in individuals with APC-related disease. Algorithms developed to predict the effect of missense changes on protein structure and function are either unavailable or do not agree on the potential impact of this missense change (SIFT: "Deleterious"; PolyPhen-2: "Probably Damaging"; Align-GVGD: "Class C0"). In summary, the available evidence is currently insufficient to determine the role of this variant in disease. Therefore, it has been classified as a Variant of Uncertain Significance.

NM_000038.6(APC):c.7989C>G (p.Asp2663Glu)

Gene: APC (APC regulator of Wnt signaling pathway; plus strand). Cytogenetic location: 5q22.2.
Variant type: single nucleotide variant.
Coding change: c.7989C>G on transcript NM_000038.6 (MANE Select); coding-DNA position 7989, C replaced by G.
Protein change: p.Asp2663Glu; replaces aspartic acid 2663 with glutamic acid.
Molecular consequence: missense variant.
Genome position (GRCh38, 1-based): chr5:112,843,583, C>G. VCF-style: chr5-112843583-C-G. GRCh37 (hg19) VCF-style: chr5-112179280-C-G.
Other names: c.7989C>G, p.Asp2663Glu (NM_001127510.3, NM_001354895.2); c.7935C>G, p.Asp2645Glu (NM_001127511.3); c.8043C>G, p.Asp2681Glu (NM_001354896.2); c.8019C>G, p.Asp2673Glu (NM_001354897.2); c.7914C>G, p.Asp2638Glu (NM_001354898.2); c.7905C>G, p.Asp2635Glu (NM_001354899.2); c.7866C>G, p.Asp2622Glu (NM_001354900.2); c.7812C>G, p.Asp2604Glu (NM_001354901.2); and 5 more; short protein forms D2503E, D2604E, D2681E, D2537E, D2622E, D2635E, D2380E, D2562E.
Identifiers: ClinVar variation 646270 (VCV000646270.10), dbSNP rs1580688943, ClinGen allele CA16038684.
Genomic context (GRCh38, chr5:112,843,583, plus strand): 5'-AATTTATCAAATGGCACCTGCTGTTTCTAAAACAGAGGATGTTTGGGTGAGAATTGAGGA[C>G]TGTCCCATTAACAATCCTAGATCTGGAAGATCTCCCACAGGTAATACTCCCCCGGTGATT-3'
Protein context (NP_000029.2, residues 2653-2673): KTEDVWVRIE[Asp2663Glu]CPINNPRSGR